The following is an entry in ClinVar:

NM_005050.4(ABCD4):c.423C>G (p.Asn141Lys)

Gene: ABCD4 (ATP binding cassette subfamily D member 4; minus strand). Cytogenetic location: 14q24.3.
Variant type: single nucleotide variant.
Coding change: c.423C>G on transcript NM_005050.4 (MANE Select); coding-DNA position 423, C replaced by G.
Protein change: p.Asn141Lys; replaces asparagine 141 with lysine.
Molecular consequence: missense variant. On other transcripts: 5 prime UTR variant (9), non-coding transcript variant (8), intron variant (5).
Genome position (GRCh38, 1-based): chr14:74,297,932, G>C on the plus strand (C>G on the coding strand, the complement: ABCD4 is on the minus strand). VCF-style: chr14-74297932-G-C. GRCh37 (hg19) VCF-style: chr14-74764635-G-C.
Other names: c.423C>G, p.Asn141Lys (NM_001353591.2, NM_001353592.2, NM_020325.3); c.162C>G, p.Asn54Lys (NM_001353593.2, NM_001353594.2); c.14C>G, p.Thr5Ser (NM_001353595.2, NM_001353596.2, NM_001353597.2); c.-55C>G (NM_001353598.2, NM_001353600.2); c.-267C>G (NM_001353602.2); c.-272C>G (NM_001353603.2, NM_001353605.2, NM_001353606.2 and 3 more transcripts); c.-269-1483C>G (NM_001353604.2); c.-52-1483C>G (NM_001353601.2, NM_020324.3, NM_001353599.2); and 1 more; short protein forms N141K, N54K, T5S.
Identifiers: ClinVar variation 1343599 (VCV001343599.4), dbSNP rs776529140, ClinGen allele CA7267230.

ClinVar aggregate classification (germline): Pathogenic/Likely pathogenic. Review status: criteria provided, multiple submitters, no conflicts (2 of 4 stars). 3 submissions from 3 submitters: Pathogenic (1); Likely pathogenic (2). Last evaluated 2025-03-04.

Conditions:
Cobalamin C disease. Also called: methylmalonic aciduria and homocystinuria type cblC; Methylmalonic aciduria and homocystinuria, Vitamin B12-responsive; Vitamin B12 metabolic defect with combined deficiency of methylmalonyl-CoA mutase and homocysteine:methyltetrahydrofolate methyltransferase; Cobalamin-C methylmalonic acidemia and homocystinuria; Methylmalonic acidemia and homocystinuria cblC type; Methylmalonic aciduria with homocystinuria cblC type. Identifiers: Orphanet 26, Orphanet 79282, MedGen C1848561, MONDO:0010184, OMIM 277400.
Methylmalonic acidemia with homocystinuria, type cblJ (MAHCJ). Also called: METHYLMALONIC ACIDURIA AND HOMOCYSTINURIA, cblJ TYPE. Identifiers: Orphanet 369955, MedGen C3553915, MONDO:0013925, OMIM 614857.

Allele frequency attached by ClinVar (database versions not stated): gnomAD 0.00001; gnomAD exomes 0.00002; ExAC 0.00003; TOPMed 0.00005.

Submissions (3):

GeneDx
Classification: Likely pathogenic. Last evaluated: 2025-03-04. Review status: criteria provided, single submitter. Criteria: GeneDx Variant Classification Process June 2021. Collection method: clinical testing. Allele origin: germline. Affected: yes.
Comment: Published functional studies suggest a damaging effect on cobalamin transport and intracellular localization (PMID: 33845046); In silico analysis supports that this missense variant has a deleterious effect on protein structure/function; This variant is associated with the following publications: (PMID: 25234635, 23141461, 30651581, 27766264, 28572511, 31467407, 35908918, 33729671, 30204970, 33845046)

Labcorp Genetics (formerly Invitae), Labcorp
Classification: Likely pathogenic for Methylmalonic acidemia with homocystinuria, type cblJ. Last evaluated: 2024-08-13. Review status: criteria provided, single submitter. Criteria: Invitae Variant Classification Sherloc (09022015). Collection method: clinical testing. Allele origin: germline.
Comment: This sequence change replaces asparagine, which is neutral and polar, with lysine, which is basic and polar, at codon 141 of the ABCD4 protein (p.Asn141Lys). This variant is present in population databases (rs776529140, gnomAD 0.04%). This missense change has been observed in individuals with clinical features of ABCD4-related conditions (PMID: 23141461, 25234635, 30651581). ClinVar contains an entry for this variant (Variation ID: 1343599). An algorithm developed to predict the effect of missense changes on protein structure and function (PolyPhen-2) suggests that this variant is likely to be disruptive. Experimental studies have shown that this missense change affects ABCD4 function (PMID: 28572511, 33845046). Algorithms developed to predict the effect of sequence changes on RNA splicing suggest that this variant may disrupt the consensus splice site. In summary, the currently available evidence indicates that the variant is pathogenic, but additional data are needed to prove that conclusively. Therefore, this variant has been classified as Likely Pathogenic.

Women's Health and Genetics/Laboratory Corporation of America, LabCorp
Classification: Pathogenic for Cobalamin C disease. Last evaluated: 2022-02-09. Review status: criteria provided, single submitter. Criteria: LabCorp Variant Classification Summary - May 2015. Collection method: clinical testing. Allele origin: germline.
Comment: Variant summary: ABCD4 c.423C>G (p.Asn141Lys) results in a non-conservative amino acid change located in the ABC transporter type 1, transmembrane domain (IPR011527) of the encoded protein sequence. Four of five in-silico tools predict a damaging effect of the variant on protein function. The variant allele was found at a frequency of 2.4e-05 in 250048 control chromosomes. c.423C>G has been reported in the literature as a homozygous genotype in multiple comprehensively analyzed individuals affected with Methylmalonic Acidemia With Homocystinuria (example, Kim_2012, Takeichi_2015, Liu_2019). These data indicate that the variant is very likely to be associated with disease. At least two publications reports experimental evidence evaluating an impact on protein function in-vitro (example, Fettelschoss_2017, Kitai_2021). The most pronounced variant effect results in complete abolishment of cobalamin transport with preserved ATP'ase activity (Kitai_2021) and decreased interaction (approximately 30% of WT) of the mutant ABCD4 protein with the membrane protein LMBD1 required for lysosomal release of cobalamin (Fettelschoss_2017). No clinical diagnostic laboratories have submitted clinical-significance assessments for this variant to ClinVar after 2014. Based on the evidence outlined above, the variant was classified as pathogenic.

Literature cited by the submitters: PubMed 23141461 (cited by Labcorp Genetics (formerly Invitae), Labcorp and Women's Health and Genetics/Laboratory Corporation of America, LabCorp); PubMed 25234635 (cited by Labcorp Genetics (formerly Invitae), Labcorp and Women's Health and Genetics/Laboratory Corporation of America, LabCorp); PubMed 30651581 (cited by Labcorp Genetics (formerly Invitae), Labcorp and Women's Health and Genetics/Laboratory Corporation of America, LabCorp); PubMed 28572511 (cited by Labcorp Genetics (formerly Invitae), Labcorp and Women's Health and Genetics/Laboratory Corporation of America, LabCorp); PubMed 33845046 (cited by Labcorp Genetics (formerly Invitae), Labcorp and Women's Health and Genetics/Laboratory Corporation of America, LabCorp).